The following is an entry in ClinVar:

ClinVar aggregate classification (germline): Uncertain significance (1 of 4 stars; one submission).

gnomAD v4.1: 9 of 1,614,048 alleles (0.00056%); highest among the groups gnomAD compares: South Asian, 0.0022%; no homozygotes.

Submission:

Labcorp Genetics (formerly Invitae), Labcorp
Classification: Uncertain significance. Last evaluated: 2025-08-17. Review status: criteria provided, single submitter. Criteria: Invitae Variant Classification Sherloc (09022015). Collection method: clinical testing. Allele origin: germline.
Comment: This sequence change replaces alanine, which is neutral and non-polar, with threonine, which is neutral and polar, at codon 1657 of the CIT protein (p.Ala1657Thr). This variant is present in population databases (rs749790889, gnomAD 0.003%). This variant has not been reported in the literature in individuals affected with CIT-related conditions. An algorithm developed to predict the effect of missense changes on protein structure and function (PolyPhen-2) suggests that this variant is likely to be tolerated. In summary, the available evidence is currently insufficient to determine the role of this variant in disease. Therefore, it has been classified as a Variant of Uncertain Significance.

NM_001206999.2(CIT):c.4969G>A (p.Ala1657Thr)

Gene: CIT (citron rho-interacting serine/threonine kinase; minus strand). Cytogenetic location: 12q24.23.
Variant type: single nucleotide variant.
Coding change: c.4969G>A on transcript NM_001206999.2 (MANE Select); coding-DNA position 4969, G replaced by A.
Protein change: p.Ala1657Thr; replaces alanine 1657 with threonine.
Molecular consequence: missense variant.
Genome position (GRCh38, 1-based): chr12:119,710,353, C>T on the plus strand (G>A on the coding strand, the complement: CIT is on the minus strand). VCF-style: chr12-119710353-C-T. GRCh37 (hg19) VCF-style: chr12-120148158-C-T.
Other names: c.4843G>A, p.Ala1615Thr (NM_007174.3); short protein forms A1615T, A1657T.
Identifiers: ClinVar variation 4761367 (VCV004761367.1).